The following is an entry in ClinVar:

NM_005670.4(EPM2A):c.937G>A (p.Ala313Thr)

Gene: EPM2A (EPM2A glucan phosphatase, laforin; minus strand). Cytogenetic location: 6q24.3.
Variant type: single nucleotide variant.
Coding change: c.937G>A on transcript NM_005670.4 (MANE Select); coding-DNA position 937, G replaced by A.
Protein change: p.Ala313Thr; replaces alanine 313 with threonine.
Molecular consequence: missense variant. On other transcripts: 3 prime UTR variant (1), non-coding transcript variant (1), intron variant (1).
Genome position (GRCh38, 1-based): chr6:145,627,475, C>T on the plus strand (G>A on the coding strand, the complement: EPM2A is on the minus strand). VCF-style: chr6-145627475-C-T. GRCh37 (hg19) VCF-style: chr6-145948611-C-T.
Other names: c.*20G>A (NM_001360057.2); c.523G>A, p.Ala175Thr (NM_001360064.2, NM_001360071.2, NM_001368131.1); c.475G>A, p.Ala159Thr (NM_001368129.2, NM_001368132.1); c.924+13G>A (NM_001018041.2); short protein forms A159T, A313T, A175T.
Identifiers: ClinVar variation 1442322 (VCV001442322.6), dbSNP rs189479757, ClinGen allele CA4035038.

ClinVar aggregate classification (germline): Uncertain significance (1 of 4 stars; one submission).

Conditions:
Progressive myoclonic epilepsy. Also called: Familial progressive myoclonic epilepsy; Myoclonic Epilepsies, Progressive; Myoclonus epilepsy; Progressive myoclonus epilepsy. Identifiers: Orphanet 308, Orphanet 98261, MedGen C0751778, MONDO:0020074.

Allele frequency attached by ClinVar (database versions not stated): gnomAD 0.00001 and 0.00002; gnomAD exomes 0.00001 and below 0.00001; 1000 Genomes Project 30x 0.00031; 1000 Genomes Project 0.00040; TOPMed below 0.00001; ExAC 0.00001.

Submission:

Labcorp Genetics (formerly Invitae), Labcorp
Classification: Uncertain significance for Progressive myoclonic epilepsy. Last evaluated: 2021-10-21. Review status: criteria provided, single submitter. Criteria: Invitae Variant Classification Sherloc (09022015). Collection method: clinical testing. Allele origin: germline.
Comment: This sequence change replaces alanine with threonine at codon 313 of the EPM2A protein (p.Ala313Thr). The alanine residue is highly conserved and there is a small physicochemical difference between alanine and threonine. This variant is present in population databases (rs189479757, ExAC 0.009%). This variant has not been reported in the literature in individuals affected with EPM2A-related conditions. In summary, the available evidence is currently insufficient to determine the role of this variant in disease. Therefore, it has been classified as a Variant of Uncertain Significance. Algorithms developed to predict the effect of missense changes on protein structure and function (SIFT, PolyPhen-2, Align-GVGD) all suggest that this variant is likely to be disruptive.